The following is an entry in ClinVar:

ClinVar aggregate classification (germline): Conflicting classifications of pathogenicity. Review status: criteria provided, conflicting classifications (1 of 4 stars). 10 submissions from 8 submitters: Uncertain significance (6); Likely benign (4). Last evaluated 2026-07-01.

Conditions:
SPTA1-related disorder. Also called: SPTA1-related disorders; SPTA1-related condition.
Hereditary spherocytosis type 3. Also called: Spherocytosis type 3; SPTA1-Related Spherocytosis. Identifiers: Orphanet 822, MedGen C2678338, MONDO:0010053, OMIM 270970.
Pyropoikilocytosis, hereditary. Also called: Pyropoikilocytosis. Identifiers: MedGen C0520739, MONDO:0009948, OMIM 266140, HP:0004839. Disease mechanism: loss of function.
Elliptocytosis 2 (EL2). Also called: ELLIPTOCYTOSIS, RHESUS-UNLINKED TYPE. Identifiers: Orphanet 288, MedGen C1851741, MONDO:0007533, OMIM 130600.

Allele frequency attached by ClinVar (database versions not stated): ESP Exome Variant Server 0.00148; 1000 Genomes Project 30x 0.00031; 1000 Genomes Project 0.00040; TOPMed 0.00142.
gnomAD v4.1: 2,988 of 1,614,096 alleles (0.19%); highest among the groups gnomAD compares: Non-Finnish European, 0.23%; 9 homozygotes.

Submissions (10):

CeGaT Center for Human Genetics Tuebingen
Classification: Likely benign. Last evaluated: 2026-07-01. Review status: criteria provided, single submitter. Criteria: CeGaT Center For Human Genetics Tuebingen Variant Classification Criteria Version 2. Collection method: clinical testing. Allele origin: germline. Affected: yes. Observed: 2 variant alleles.
Comment: SPTA1: BP4, BS2

Labcorp Genetics (formerly Invitae), Labcorp
Classification: Likely benign. Last evaluated: 2025-10-08. Review status: criteria provided, single submitter. Criteria: Invitae Variant Classification Sherloc (09022015). Collection method: clinical testing. Allele origin: germline.

PreventionGenetics, part of Exact Sciences
Classification: Likely benign for SPTA1-related condition. Last evaluated: 2025-03-05. Review status: criteria provided, single submitter. Criteria: ACMG Guidelines, 2015. Collection method: clinical testing. Allele origin: germline.
Comment: This variant is classified as likely benign based on ACMG/AMP sequence variant interpretation guidelines (Richards et al. 2015 PMID: 25741868, with internal and published modifications).

Blueprint Genetics
Classification: Uncertain significance. Last evaluated: 2024-11-17. Review status: criteria provided, single submitter. Criteria: ACMG Guidelines, 2015. Collection method: clinical testing. Allele origin: germline.

ARUP Laboratories, Molecular Genetics and Genomics, ARUP Laboratories
Classification: Uncertain significance. Last evaluated: 2024-09-25. Review status: criteria provided, single submitter. Criteria: ARUP Molecular Germline Variant Investigation Process 2024. Collection method: clinical testing. Allele origin: germline.
Comment: The SPTA1 c.1703G>A; p.Arg568His variant (rs200829664, ClinVar Variation ID: 618384) has been reported in an individual with spherocytosis, however, this individual also carried a variant in another gene that may explain the phenotype (Tole 2020). This variant is found in the general population with an overall allele frequency of 0.11% (308/280764 alleles) in the Genome Aggregation Database (v2.1.1). Additionally, another variant at this codon (c.1703G>C, p.Arg568Pro) has been reported in an individual with a suspicion of spherocytosis (Russo 2018). Computational analyses predict that the p.Arg568His variant is neutral (REVEL: 0.117). While the high population frequency suggests that this is likely a benign variant, given the limited clinical data and lack of functional data, the significance of this variant is uncertain at this time. References: Russo R et al. Multi-gene panel testing improves diagnosis and management of patients with hereditary anemias. Am J Hematol. 2018 May. PMID: 29396846. Tole S et al. Genotype-phenotype correlation in children with hereditary spherocytosis. Br J Haematol. 2020 Nov. PMID: 32436265.

Mayo Clinic Laboratories, Mayo Clinic
Classification: Uncertain significance. Last evaluated: 2023-07-06. Review status: criteria provided, single submitter. Criteria: ACMG Guidelines, 2015. Collection method: clinical testing. Allele origin: germline. Observed: 1 variant allele.
Comment: BP4

GeneDx
Classification: Uncertain significance. Last evaluated: 2022-02-17. Review status: criteria provided, single submitter. Criteria: GeneDx Variant Classification Process June 2021. Collection method: clinical testing. Allele origin: germline. Affected: yes.
Comment: Reported in the heterozygous state in an individual with hereditary spherocytosis, but a second variant in SPTA1 was not reported, and a potentially causative variant was identified in another gene (Tole et al., 2020); In silico analysis supports that this missense variant does not alter protein structure/function; This variant is associated with the following publications: (PMID: 32436265)

Illumina Laboratory Services, Illumina
Classification: Uncertain significance for Hereditary spherocytosis type 3. Last evaluated: 2018-01-12. Review status: criteria provided, single submitter. Criteria: ICSL Variant Classification Criteria 13 December 2019. Collection method: clinical testing. Allele origin: germline.

Illumina Laboratory Services, Illumina
Classification: Likely benign for Elliptocytosis 2. Last evaluated: 2018-01-12. Review status: criteria provided, single submitter. Criteria: ICSL Variant Classification Criteria 13 December 2019. Collection method: clinical testing. Allele origin: germline.
Comment: This variant was observed in the ICSL laboratory as part of a predisposition screen in an ostensibly healthy population. It had not been previously curated by ICSL or reported in the Human Gene Mutation Database (HGMD: prior to June 1st, 2018), and was therefore a candidate for classification through an automated scoring system. Utilizing variant allele frequency, disease prevalence and penetrance estimates, and inheritance mode, an automated score was calculated to assess if this variant is too frequent to cause the disease. Based on the score and internal cut-off values, a variant classified as likely benign is not then subjected to further curation. The score for this variant resulted in a classification of likely benign for this disease.

Illumina Laboratory Services, Illumina
Classification: Uncertain significance for Pyropoikilocytosis, hereditary. Last evaluated: 2018-01-12. Review status: criteria provided, single submitter. Criteria: ICSL Variant Classification Criteria 13 December 2019. Collection method: clinical testing. Allele origin: germline.

Literature cited by the submitters: PubMed 32436265 (cited by Mayo Clinic Laboratories, Mayo Clinic).

NM_003126.4(SPTA1):c.1703G>A (p.Arg568His)

Gene: SPTA1 (spectrin alpha, erythrocytic 1; minus strand). Cytogenetic location: 1q23.1.
Variant type: single nucleotide variant.
Coding change: c.1703G>A on transcript NM_003126.4 (MANE Select); coding-DNA position 1703, G replaced by A.
Protein change: p.Arg568His; replaces arginine 568 with histidine.
Molecular consequence: missense variant.
Genome position (GRCh38, 1-based): chr1:158,669,538, C>T on the plus strand (G>A on the coding strand, the complement: SPTA1 is on the minus strand). VCF-style: chr1-158669538-C-T. GRCh37 (hg19) VCF-style: chr1-158639328-C-T.
Other names: short protein forms R568H.
Identifiers: ClinVar variation 618384 (VCV000618384.33), dbSNP rs200829664, ClinGen allele CA1183641.